The following is an entry in ClinVar:

ClinVar aggregate classification (germline): Uncertain significance (1 of 4 stars; one submission).

Conditions:
PIK3CA related overgrowth syndrome. Also called: PIK3CA related overgrowth spectrum; PIK3CA-Related Segmental Overgrowth. Identifiers: Orphanet 530313, MedGen C4728213, MONDO:1040002.

Submission:

Victorian Clinical Genetics Services, Murdoch Childrens Research Institute
Classification: Uncertain significance for PIK3CA related overgrowth syndrome. Last evaluated: 2025-11-28. Review status: criteria provided, single submitter. Criteria: ACMG Guidelines, 2015. Collection method: clinical testing. Allele origin: germline. Affected: yes.
Comment: This variant is classified as VUS-3B. Evidence in support of pathogenic classification: Variant is predicted to result in a loss of the canonical translation initiation codon (ATG); Variant is absent from gnomAD (v2, v3 and v4); Additional information: This variant is heterozygous; This gene is associated with autosomal dominant disease; Alternative nucleotide change(s) at the same initiation codon are present in gnomAD (highest allele count: v4: 1 heterozygote(s), 0 homozygote(s); Previous evidence of pathogenicity for this variant is inconclusive. An alternative start loss variant, c.1A>G, has been classified as a VUS by clinical laboratories (ClinVar, LOVD) and has been observed in an unaffected adult with a family history of breast cancer (Invitae personal communication). It has been reported as de novo in two individuals, one with white matter abnormalities and developmental delay and one with intellectual disability and macrocephaly, and has been reported in an individual with autism spectrum disorder, global developmental delay and macrocephaly who inherited it from an asymptomatic father (GeneDx personal communication, PMID: 35998261); No published evidence of segregation with disease has been identified for this variant; No published functional evidence has been identified for this variant; Gain of function is a known mechanism of disease in this gene and is associated with PIK3CA-related overgrowth spectrum (MONDO:1040002; PMIDs: 22729222, 30197175).

Literature cited by the submitters: PubMed 22729222; PubMed 35998261; PubMed 30197175.

NM_006218.4(PIK3CA):c.2T>C (p.Met1Thr)

Gene: PIK3CA (phosphatidylinositol-4,5-bisphosphate 3-kinase catalytic subunit alpha; plus strand). Cytogenetic location: 3q26.32.
Variant type: single nucleotide variant.
Coding change: c.2T>C on transcript NM_006218.4 (MANE Select); coding-DNA position 2, T replaced by C.
Protein change: p.Met1Thr; changes the start codon (methionine 1).
Molecular consequence: missense variant, initiator codon variant.
Genome position (GRCh38, 1-based): chr3:179,198,827, T>C. VCF-style: chr3-179198827-T-C. GRCh37 (hg19) VCF-style: chr3-178916615-T-C.
Other names: short protein forms M1T.
Identifiers: ClinVar variation 1806008 (VCV001806008.3), dbSNP rs2108384932, ClinGen allele CA355270016.